The following is an entry in ClinVar:

ClinVar aggregate classification (germline): Likely pathogenic (1 of 4 stars; one submission).

Conditions:
LONP1-related disorder. Also called: LONP1-related disorders; LONP1-related condition.

Submission:

PreventionGenetics, part of Exact Sciences
Classification: Likely pathogenic for LONP1-related condition. Last evaluated: 2025-08-14. Review status: criteria provided, single submitter. Criteria: ACMG Guidelines, 2015. Collection method: clinical testing. Allele origin: germline.
Comment: The LONP1 c.1348_1349delAA variant is predicted to result in a frameshift and premature protein termination (p.Asn450Profs*58). To our knowledge, this variant has not been reported in the literature or in a large population database (gnomAD), indicating this variant is rare. Frameshift variants in LONP1 are expected to be pathogenic. This variant is interpreted as likely pathogenic.

NM_004793.4(LONP1):c.1348_1349del (p.Asn450fs)

Gene: LONP1 (lon peptidase 1, mitochondrial; minus strand). Cytogenetic location: 19p13.3.
Variant type: Deletion.
Coding change: c.1348_1349del on transcript NM_004793.4 (MANE Select); coding-DNA positions 1348 to 1349, 2 bases deleted (AA; older notation c.1348_1349delAA).
Protein change: p.Asn450fs; shifts the reading frame from asparagine 450.
Molecular consequence: frameshift variant. On other transcripts: non-coding transcript variant (1).
Genome position (GRCh38, 1-based): chr19:5,705,790-5,705,791, TT deleted on the plus strand (AA on the coding strand, the reverse complement: LONP1 is on the minus strand). VCF-style (leftmost placement, unchanged base first): chr19-5705789-GTT-G. GRCh37 (hg19) VCF-style: chr19-5705800-GTT-G.
Other names: c.1156_1157del, p.Asn386fs (NM_001276479.2); c.760_761del, p.Asn254fs (NM_001276480.1); short protein forms N254fs, N386fs, N450fs.
Identifiers: ClinVar variation 4993615 (VCV004993615.1).